The following is an entry in ClinVar:

NM_017636.4(TRPM4):c.119C>T (p.Pro40Leu)

Gene: TRPM4 (transient receptor potential cation channel subfamily M member 4; plus strand). Cytogenetic location: 19q13.33.
Variant type: single nucleotide variant.
Coding change: c.119C>T on transcript NM_017636.4 (MANE Select); coding-DNA position 119, C replaced by T.
Protein change: p.Pro40Leu; replaces proline 40 with leucine.
Molecular consequence: missense variant. On other transcripts: 5 prime UTR variant (1), intron variant (2).
Genome position (GRCh38, 1-based): chr19:49,166,067, C>T. VCF-style: chr19-49166067-C-T. GRCh37 (hg19) VCF-style: chr19-49669324-C-T.
Other names: c.119C>T, p.Pro40Leu (NM_001195227.2, NM_001321281.2); c.-1254C>T (NM_001321282.2); c.-74-2193C>T (NM_001321283.2); c.-237-2486C>T (NM_001321285.2); short protein forms P40L.
Identifiers: ClinVar variation 2960739 (VCV002960739.3), dbSNP rs777131422, ClinGen allele CA9568696.

ClinVar aggregate classification (germline): Uncertain significance (1 of 4 stars; one submission).

Conditions:
Progressive familial heart block type IB (PFHB1B). Identifiers: Orphanet 871, MedGen C1970298, MONDO:0011474, OMIM 604559.

Allele frequency attached by ClinVar (database versions not stated): gnomAD exomes below 0.00001; gnomAD 0.00001; ExAC 0.00002.
gnomAD v4.1: 3 of 1,599,836 alleles (0.00019%); highest among the groups gnomAD compares: African/African-American, 0.0013%; no homozygotes.

Submission:

Labcorp Genetics (formerly Invitae), Labcorp
Classification: Uncertain significance for Progressive familial heart block type IB. Last evaluated: 2023-05-24. Review status: criteria provided, single submitter. Criteria: Invitae Variant Classification Sherloc (09022015). Collection method: clinical testing. Allele origin: germline.
Comment: This sequence change replaces proline, which is neutral and non-polar, with leucine, which is neutral and non-polar, at codon 40 of the TRPM4 protein (p.Pro40Leu). The frequency data for this variant in the population databases is considered unreliable, as metrics indicate poor data quality at this position in the gnomAD database. This variant has not been reported in the literature in individuals affected with TRPM4-related conditions. An algorithm developed to predict the effect of missense changes on protein structure and function (PolyPhen-2) suggests that this variant is likely to be tolerated. In summary, the available evidence is currently insufficient to determine the role of this variant in disease. Therefore, it has been classified as a Variant of Uncertain Significance.